The following is an entry in ClinVar:

ClinVar aggregate classification (germline): Uncertain significance (1 of 4 stars; one submission).

Conditions:
Leukodystrophy, hypomyelinating, 7, with or without oligodontia and/or hypogonadotropic hypogonadism (HLD7). Also called: LEUKOENCEPHALOPATHY, HYPOMYELINATING, WITH ATAXIA AND DELAYED DENTITION; ATAXIA, DELAYED DENTITION, AND HYPOMYELINATION; LEUKODYSTROPHY, HYPOMYELINATING, 7, WITH OLIGODONTIA; LEUKODYSTROPHY, HYPOMYELINATING, 7, WITH OLIGODONTIA AND HYPOGONADOTROPIC HYPOGONADISM; LEUKODYSTROPHY, HYPOMYELINATING, 7, WITHOUT OLIGODONTIA OR HYPOGONADOTROPIC HYPOGONADISM; Ataxia, Delayed Dentition and Hypomyelination (ADDH). Identifiers: Orphanet 137639, Orphanet 447893, Orphanet 447896, Orphanet 77295, Orphanet 88637, MedGen CN034185, MONDO:0011897, OMIM 607694.
Neonatal pseudo-hydrocephalic progeroid syndrome. Also called: Wiedemann-Rautenstrauch syndrome. Identifiers: Orphanet 3455, MedGen C0406586, MONDO:0009910, OMIM 264090.

Submission:

Juno Genomics, Hangzhou Juno Genomics, Inc
Classification: Uncertain significance for Leukodystrophy, hypomyelinating, 7, with or without oligodontia and/or hypogonadotropic hypogonadism; Neonatal pseudo-hydrocephalic progeroid syndrome. Review status: criteria provided, single submitter. Criteria: ACMG Guidelines, 2015. Collection method: clinical testing. Allele origin: germline.
Comment: Absent from controls (or at extremely low frequency if recessive) in Genome Aggregation Database.;Missense variant in a gene that has a low rate of benign missense variation.

NM_007055.4(POLR3A):c.1483C>T (p.Pro495Ser)

Gene: POLR3A (RNA polymerase III subunit A; minus strand). Cytogenetic location: 10q22.3.
Variant type: single nucleotide variant.
Coding change: c.1483C>T on transcript NM_007055.4 (MANE Select); coding-DNA position 1483, C replaced by T.
Protein change: p.Pro495Ser; replaces proline 495 with serine.
Molecular consequence: missense variant.
Genome position (GRCh38, 1-based): chr10:78,013,739, G>A on the plus strand (C>T on the coding strand, the complement: POLR3A is on the minus strand). VCF-style: chr10-78013739-G-A. GRCh37 (hg19) VCF-style: chr10-79773497-G-A.
Other names: short protein forms P495S.
Identifiers: ClinVar variation 5007744 (VCV005007744.2).